The following is an entry in ClinVar:

NM_001447.3(FAT2):c.4117G>A (p.Val1373Ile)

Genes: FAT2 (FAT atypical cadherin 2; minus strand), SLC36A1 (solute carrier family 36 member 1; plus strand). Cytogenetic location: 5q33.1.
Variant type: single nucleotide variant.
Coding change: c.4117G>A on transcript NM_001447.3 (MANE Select); coding-DNA position 4117, G replaced by A.
Protein change: p.Val1373Ile; replaces valine 1373 with isoleucine.
Molecular consequence: missense variant.
Genome position (GRCh38, 1-based): chr5:151,553,216, C>T on the plus strand (G>A on the coding strand, the complement: FAT2 is on the minus strand). VCF-style: chr5-151553216-C-T. GRCh37 (hg19) VCF-style: chr5-150932777-C-T.
Other names: short protein forms V1373I.
Identifiers: ClinVar variation 2044009 (VCV002044009.4), dbSNP rs773412435, ClinGen allele CA3521639.

ClinVar aggregate classification (germline): Uncertain significance (1 of 4 stars; one submission).

Allele frequency attached by ClinVar (database versions not stated): gnomAD exomes 0.00003; ExAC 0.00008; gnomAD 0.00007; TOPMed 0.00010.
gnomAD v4.1: 51 of 1,614,134 alleles (0.0032%); highest among the groups gnomAD compares: African/African-American, 0.011%; no homozygotes.

Submission:

Labcorp Genetics (formerly Invitae), Labcorp
Classification: Uncertain significance. Last evaluated: 2022-10-29. Review status: criteria provided, single submitter. Criteria: Invitae Variant Classification Sherloc (09022015). Collection method: clinical testing. Allele origin: germline.
Comment: This variant has not been reported in the literature in individuals affected with FAT2-related conditions. This variant is present in population databases (rs773412435, gnomAD 0.01%). This sequence change replaces valine, which is neutral and non-polar, with isoleucine, which is neutral and non-polar, at codon 1373 of the FAT2 protein (p.Val1373Ile). Algorithms developed to predict the effect of missense changes on protein structure and function (SIFT, PolyPhen-2, Align-GVGD) all suggest that this variant is likely to be tolerated. In summary, the available evidence is currently insufficient to determine the role of this variant in disease. Therefore, it has been classified as a Variant of Uncertain Significance.